The following is an entry in ClinVar:

NM_005732.4(RAD50):c.2632T>G (p.Ser878Ala)

Gene: RAD50 (RAD50 double strand break repair protein; plus strand). Cytogenetic location: 5q31.1.
Variant type: single nucleotide variant.
Coding change: c.2632T>G on transcript NM_005732.4 (MANE Select); coding-DNA position 2632, T replaced by G.
Protein change: p.Ser878Ala; replaces serine 878 with alanine.
Molecular consequence: missense variant.
Genome position (GRCh38, 1-based): chr5:132,604,913, T>G. VCF-style: chr5-132604913-T-G. GRCh37 (hg19) VCF-style: chr5-131940605-T-G.
Other names: short protein forms S878A.
Identifiers: ClinVar variation 1422914 (VCV001422914.8), dbSNP rs2149847791, ClinGen allele CA360956652.

ClinVar aggregate classification (germline): Uncertain significance (1 of 4 stars; one submission).

Conditions:
Hereditary cancer-predisposing syndrome. Also called: Neoplastic Syndromes, Hereditary; Hereditary Cancer Syndrome; Hereditary neoplastic syndrome; Tumor predisposition. Identifiers: Orphanet 140162, MedGen C0027672, MeSH D009386, MONDO:0015356.

Submission:

Labcorp Genetics (formerly Invitae), Labcorp
Classification: Uncertain significance for Hereditary cancer-predisposing syndrome. Last evaluated: 2021-06-09. Review status: criteria provided, single submitter. Criteria: Invitae Variant Classification Sherloc (09022015). Collection method: clinical testing. Allele origin: germline.
Comment: This sequence change replaces serine with alanine at codon 878 of the RAD50 protein (p.Ser878Ala). The serine residue is moderately conserved and there is a moderate physicochemical difference between serine and alanine. This variant is not present in population databases (ExAC no frequency). This variant has not been reported in the literature in individuals with RAD50-related conditions. Algorithms developed to predict the effect of missense changes on protein structure and function output the following: SIFT: "Tolerated"; PolyPhen-2: "Benign"; Align-GVGD: "Class C0". The alanine amino acid residue is found in multiple mammalian species, suggesting that this missense change does not adversely affect protein function. These predictions have not been confirmed by published functional studies and their clinical significance is uncertain. In summary, the available evidence is currently insufficient to determine the role of this variant in disease. Therefore, it has been classified as a Variant of Uncertain Significance.